The following is an entry in ClinVar:

NM_006734.4(HIVEP2):c.1830C>T (p.His610=)

Gene: HIVEP2 (HIVEP zinc finger 2; minus strand). Cytogenetic location: 6q24.2.
Variant type: single nucleotide variant.
Coding change: c.1830C>T on transcript NM_006734.4 (MANE Select); coding-DNA position 1830, C replaced by T.
Protein change: p.His610=; no amino-acid change (histidine 610 retained).
Molecular consequence: synonymous variant.
Genome position (GRCh38, 1-based): chr6:142,772,909, G>A on the plus strand (C>T on the coding strand, the complement: HIVEP2 is on the minus strand). VCF-style: chr6-142772909-G-A. GRCh37 (hg19) VCF-style: chr6-143094046-G-A.
Identifiers: ClinVar variation 2656961 (VCV002656961.24), dbSNP rs761392062, ClinGen allele CA149019148.

ClinVar aggregate classification (germline): Likely benign (1 of 4 stars; one submission).

Allele frequency attached by ClinVar (database versions not stated): TOPMed below 0.00001.

Submission:

CeGaT Center for Human Genetics Tuebingen
Classification: Likely benign. Last evaluated: 2023-02-01. Review status: criteria provided, single submitter. Criteria: CeGaT Center For Human Genetics Tuebingen Variant Classification Criteria Version 2. Collection method: clinical testing. Allele origin: germline. Affected: yes. Observed: 1 variant allele.
Comment: HIVEP2: PM2:Supporting, BP4, BP7